The following is an entry in ClinVar:

ClinVar aggregate classification (germline): Likely benign. Review status: criteria provided, multiple submitters, no conflicts (2 of 4 stars). 3 submissions from 3 submitters: Likely benign (2). 1 of the submissions does not count toward it. Last evaluated 2025-12-20.

Conditions:
IL12RB1-related disorder. Also called: IL12RB1-related condition.
Mendelian susceptibility to mycobacterial diseases due to complete IL12RB1 deficiency. Also called: IL12RB1 DEFICIENCY; Immunodeficiency 30. Identifiers: Orphanet 319552, MedGen C4013949, MONDO:0013955, OMIM 614891.

Allele frequency attached by ClinVar (database versions not stated): gnomAD 0.00009 and 0.00013; gnomAD exomes 0.00009 and 0.00017; TOPMed 0.00009; ExAC 0.00019; 1000 Genomes Project 0.00060; 1000 Genomes Project 30x 0.00062.
gnomAD v4.1: 154 of 1,613,976 alleles (0.0095%); highest among the groups gnomAD compares: South Asian, 0.079%; 3 homozygotes.

Submissions (3):

Labcorp Genetics (formerly Invitae), Labcorp
Classification: Likely benign for Mendelian susceptibility to mycobacterial diseases due to complete IL12RB1 deficiency. Last evaluated: 2025-12-20. Review status: criteria provided, single submitter. Criteria: Invitae Variant Classification Sherloc (09022015). Collection method: clinical testing. Allele origin: germline.

Blueprint Genetics
Classification: Likely benign. Last evaluated: 2024-05-15. Review status: criteria provided, single submitter. Criteria: ACMG Guidelines, 2015. Collection method: clinical testing. Allele origin: germline.

PreventionGenetics, part of Exact Sciences
Classification: Likely benign for IL12RB1-related condition. Last evaluated: 2019-09-17. Review status: no assertion criteria provided. Collection method: clinical testing. Allele origin: germline. Not counted in ClinVar's aggregate classification.
Comment: This variant is classified as likely benign based on ACMG/AMP sequence variant interpretation guidelines (Richards et al. 2015 PMID: 25741868, with internal and published modifications).

NM_005535.3(IL12RB1):c.300C>T (p.Ser100=)

Gene: IL12RB1 (interleukin 12 receptor subunit beta 1; minus strand). Cytogenetic location: 19p13.11.
Variant type: single nucleotide variant.
Coding change: c.300C>T on transcript NM_005535.3 (MANE Select); coding-DNA position 300, C replaced by T.
Protein change: p.Ser100=; no amino-acid change (serine 100 retained).
Molecular consequence: synonymous variant.
Genome position (GRCh38, 1-based): chr19:18,080,941, G>A on the plus strand (C>T on the coding strand, the complement: IL12RB1 is on the minus strand). VCF-style: chr19-18080941-G-A. GRCh37 (hg19) VCF-style: chr19-18191751-G-A.
Other names: c.300C>T, p.Ser100= (NM_001290023.2, NM_153701.3); c.420C>T, p.Ser140= (NM_001290024.2).
Identifiers: ClinVar variation 1101051 (VCV001101051.12), dbSNP rs147419888, ClinGen allele CA9305261.
Genomic context (GRCh38, chr19:18,080,941, plus strand): 5'-CCTGGCCCAGGATTCCACCCAGAGTGTGACAGTGTACAGCACAGACACCCCAGCCTGGTC[G>A]GAGAACTGCAGCCTGGTGGCTGAGCCGGCGGCGAAGTAGCAGCAGCGCCCGGAGCTAAGG-3'
Protein context (NP_005526.1, residues 90-110): AAGSATRLQF[Ser100=]DQAGVSVLYT